The following is an entry in ClinVar:

ClinVar aggregate classification (germline): Uncertain significance (1 of 4 stars; one submission).

Conditions:
MHC class I deficiency. Identifiers: Orphanet 34592, MedGen C6024714, MONDO:0011476.

Allele frequency attached by ClinVar (database versions not stated): TOPMed below 0.00001; ExAC 0.00001; gnomAD exomes 0.00001 and below 0.00001.
gnomAD v4.1: 6 of 1,609,532 alleles (0.00037%); highest among the groups gnomAD compares: East Asian, 0.013%; no homozygotes.

Submission:

Labcorp Genetics (formerly Invitae), Labcorp
Classification: Uncertain significance for MHC class I deficiency 1. Last evaluated: 2019-07-24. Review status: criteria provided, single submitter. Criteria: Invitae Variant Classification Sherloc (09022015). Collection method: clinical testing. Allele origin: germline.
Comment: This variant is present in population databases (rs761472739, ExAC 0.01%). This sequence change replaces alanine with serine at codon 99 of the TAP1 protein (p.Ala99Ser). The alanine residue is weakly conserved and there is a moderate physicochemical difference between alanine and serine. This variant has not been reported in the literature in individuals with TAP1-related disease. In summary, the available evidence is currently insufficient to determine the role of this variant in disease. Therefore, it has been classified as a Variant of Uncertain Significance. Algorithms developed to predict the effect of missense changes on protein structure and function (SIFT, PolyPhen-2, Align-GVGD) all suggest that this variant is likely to be tolerated, but these predictions have not been confirmed by published functional studies and their clinical significance is uncertain.

NM_000593.6(TAP1):c.115G>T (p.Ala39Ser)

Gene: TAP1 (transporter 1, ATP binding cassette subfamily B member; minus strand). Cytogenetic location: 6p21.32.
Variant type: single nucleotide variant.
Coding change: c.115G>T on transcript NM_000593.6 (MANE Select); coding-DNA position 115, G replaced by T.
Protein change: p.Ala39Ser; replaces alanine 39 with serine.
Molecular consequence: missense variant.
Genome position (GRCh38, 1-based): chr6:32,853,522, C>A on the plus strand (G>T on the coding strand, the complement: TAP1 is on the minus strand). VCF-style: chr6-32853522-C-A. GRCh37 (hg19) VCF-style: chr6-32821299-C-A.
Other names: short protein forms A99S, A39S.
Identifiers: ClinVar variation 577447 (VCV000577447.10), dbSNP rs761472739, ClinGen allele CA3747069.
Genomic context (GRCh38, chr6:32,853,522, plus strand): 5'-CCCAGACCCGGAGCAGTGGCAGCGCGGTGGGCACCAGCAGGGAGAATATGCGGGGCAGCG[C>A]GGTCCGGAGCAGCACCCAGTCGGCGAGAAGTAGCAGTACTGTCCCCAGCCATGCGAGAGA-3'
Protein context (NP_000584.3, residues 29-49): LLADWVLLRT[Ala39Ser]LPRIFSLLVP